The following is an entry in ClinVar:

ClinVar aggregate classification (germline): Uncertain significance (1 of 4 stars; one submission).

Submission:

Labcorp Genetics (formerly Invitae), Labcorp
Classification: Uncertain significance. Last evaluated: 2024-10-16. Review status: criteria provided, single submitter. Criteria: Invitae Variant Classification Sherloc (09022015). Collection method: clinical testing. Allele origin: germline.
Comment: This sequence change replaces aspartic acid, which is acidic and polar, with tyrosine, which is neutral and polar, at codon 6 of the IFT43 protein (p.Asp6Tyr). This variant is present in population databases (rs201966792, gnomAD 0.002%). This variant has not been reported in the literature in individuals affected with IFT43-related conditions. ClinVar contains an entry for this variant (Variation ID: 1944265). Experimental studies and prediction algorithms are not available or were not evaluated, and the functional significance of this variant is currently unknown. In summary, the available evidence is currently insufficient to determine the role of this variant in disease. Therefore, it has been classified as a Variant of Uncertain Significance.

NM_001102564.3(IFT43):c.16G>T (p.Asp6Tyr)

Gene: IFT43 (intraflagellar transport 43; plus strand). Cytogenetic location: 14q24.3.
Variant type: single nucleotide variant.
Coding change: c.16G>T on transcript NM_001102564.3 (MANE Select); coding-DNA position 16, G replaced by T.
Protein change: p.Asp6Tyr; replaces aspartic acid 6 with tyrosine.
Molecular consequence: missense variant. On other transcripts: non-coding transcript variant (2).
Genome position (GRCh38, 1-based): chr14:75,985,802, G>T. VCF-style: chr14-75985802-G-T. GRCh37 (hg19) VCF-style: chr14-76452145-G-T.
Other names: c.16G>T, p.Asp6Tyr (NM_001255995.3, NM_052873.3); short protein forms D6Y.
Identifiers: ClinVar variation 1944265 (VCV001944265.5), dbSNP rs201966792, ClinGen allele CA7280572.
Genomic context (GRCh38, chr14:75,985,802, plus strand): 5'-CTGGGCCAGTCGGTTTCCAGGAAGTGACGTCAGGCGGCCGCGGAGATGGAGGATTTGCTC[G>T]ACTTGGACGAGGAGCTTCGCTACAGCTTGGCTACCTCCGTGAGGACCAATTCGGGGGCCT-3'
Protein context (NP_001096034.1, residues 1-16): MEDLL[Asp6Tyr]LDEELRYSLA